The following is an entry in ClinVar:

ClinVar aggregate classification (germline): Uncertain significance. Review status: criteria provided, multiple submitters, no conflicts (2 of 4 stars). 5 submissions from 5 submitters: Uncertain significance (5). Last evaluated 2024-05-03.

Conditions:
Inborn genetic diseases. Identifiers: MedGen C0950123, MeSH D030342.
Nephrolithiasis, calcium oxalate. Also called: Calcium oxalate urolithiasis. Identifiers: MedGen C1833683, MONDO:0957318, HP:0008672.

gnomAD v4.1: 41 of 1,612,716 alleles (0.0025%); highest among the groups gnomAD compares: Middle Eastern, 0.016%; no homozygotes.

Submissions (5):

Blueprint Genetics
Classification: Uncertain significance. Last evaluated: 2024-05-03. Review status: criteria provided, single submitter. Criteria: ACMG Guidelines, 2015. Collection method: clinical testing. Allele origin: germline.

Ambry Genetics
Classification: Uncertain significance for Inborn genetic diseases. Last evaluated: 2023-01-26. Review status: criteria provided, single submitter. Criteria: Ambry Variant Classification Scheme 2023. Collection method: clinical testing. Allele origin: germline.

Fulgent Genetics
Classification: Uncertain significance for Nephrolithiasis susceptibility caused by SLC26A1. Last evaluated: 2022-02-02. Review status: criteria provided, single submitter. Criteria: ACMG Guidelines, 2015. Collection method: clinical testing. Allele origin: unknown.

Labcorp Genetics (formerly Invitae), Labcorp
Classification: Uncertain significance. Last evaluated: 2021-06-16. Review status: criteria provided, single submitter. Criteria: Invitae Variant Classification Sherloc (09022015). Collection method: clinical testing. Allele origin: germline.
Comment: In summary, the available evidence is currently insufficient to determine the role of this variant in disease. Therefore, it has been classified as a Variant of Uncertain Significance. Algorithms developed to predict the effect of missense changes on protein structure and function (SIFT, PolyPhen-2, Align-GVGD) all suggest that this variant is likely to be disruptive, but these predictions have not been confirmed by published functional studies and their clinical significance is uncertain. This variant has not been reported in the literature in individuals with SLC26A1-related conditions. This variant is present in population databases (rs751574638, ExAC 0.006%). This sequence change replaces threonine with methionine at codon 104 of the SLC26A1 protein (p.Thr104Met). The threonine residue is highly conserved and there is a moderate physicochemical difference between threonine and methionine.

Revvity Omics, Revvity
Classification: Uncertain significance. Last evaluated: 2021-04-09. Review status: criteria provided, single submitter. Criteria: ACMG Guidelines, 2015. Collection method: clinical testing. Allele origin: germline.

NM_022042.4(SLC26A1):c.311C>T (p.Thr104Met)

Genes: IDUA (alpha-L-iduronidase; plus strand), SLC26A1 (solute carrier family 26 member 1; minus strand). Cytogenetic location: 4p16.3.
Variant type: single nucleotide variant.
Coding change: c.311C>T on transcript NM_022042.4 (MANE Select); coding-DNA position 311, C replaced by T.
Protein change: p.Thr104Met; replaces threonine 104 with methionine.
Molecular consequence: missense variant. On other transcripts: intron variant (1).
Genome position (GRCh38, 1-based): chr4:991,393, G>A on the plus strand (C>T on the coding strand, the complement: SLC26A1 is on the minus strand). VCF-style: chr4-991393-G-A. GRCh37 (hg19) VCF-style: chr4-985181-G-A.
Other names: c.311C>T (NM_213613.2); c.311C>T, p.Thr104Met (NM_134425.4, NM_213613.4); c.299+3444G>A (NM_000203.5); short protein forms T104M.
Identifiers: ClinVar variation 1380847 (VCV001380847.15), dbSNP rs751574638, ClinGen allele CA2801716.